The following is an entry in ClinVar:

NM_004525.3(LRP2):c.3932G>C (p.Arg1311Pro)

Gene: LRP2 (LDL receptor related protein 2; minus strand). Cytogenetic location: 2q31.1.
Variant type: single nucleotide variant.
Coding change: c.3932G>C on transcript NM_004525.3 (MANE Select); coding-DNA position 3932, G replaced by C.
Protein change: p.Arg1311Pro; replaces arginine 1311 with proline.
Molecular consequence: missense variant.
Genome position (GRCh38, 1-based): chr2:169,241,101, C>G on the plus strand (G>C on the coding strand, the complement: LRP2 is on the minus strand). VCF-style: chr2-169241101-C-G. GRCh37 (hg19) VCF-style: chr2-170097611-C-G.
Other names: c.3932G>C (NM_004525.2); short protein forms R1311P.
Identifiers: ClinVar variation 2171491 (VCV002171491.4), dbSNP rs140748929, ClinGen allele CA1954912.
Genomic context (GRCh38, chr2:169,241,101, plus strand): 5'-ACTACACTCAGATTCACACAGATGTTATGGCCAAGACACTGCCATTGCCAACTAGGACAG[C>G]GAAAGGGCTGAGTAGGGCAGTCCTTCTCATCACTCATATCCCCGCAGTCATTGTCCCGAT-3'
Protein context (NP_004516.2, residues 1301-1321): DEKDCPTQPF[Arg1311Pro]CPSWQWQCLG

ClinVar aggregate classification (germline): Uncertain significance. Review status: criteria provided, multiple submitters, no conflicts (2 of 4 stars). 3 submissions from 3 submitters: Uncertain significance (3). Last evaluated 2024-10-31.

gnomAD v4.1: 30 of 1,613,804 alleles (0.0019%); highest among the groups gnomAD compares: Middle Eastern, 0.033%; no homozygotes.

Submissions (3):

Blueprint Genetics
Classification: Uncertain significance. Last evaluated: 2024-10-31. Review status: criteria provided, single submitter. Criteria: ACMG Guidelines, 2015. Collection method: clinical testing. Allele origin: germline.

GeneDx
Classification: Uncertain significance. Last evaluated: 2024-08-05. Review status: criteria provided, single submitter. Criteria: GeneDx Variant Classification Process June 2021. Collection method: clinical testing. Allele origin: germline. Affected: yes.
Comment: In silico analysis supports that this missense variant has a deleterious effect on protein structure/function; Has not been previously published as pathogenic or benign to our knowledge

Labcorp Genetics (formerly Invitae), Labcorp
Classification: Uncertain significance. Last evaluated: 2024-02-24. Review status: criteria provided, single submitter. Criteria: Invitae Variant Classification Sherloc (09022015). Collection method: clinical testing. Allele origin: germline.
Comment: This sequence change replaces arginine, which is basic and polar, with proline, which is neutral and non-polar, at codon 1311 of the LRP2 protein (p.Arg1311Pro). This variant is present in population databases (rs140748929, gnomAD 0.02%). This variant has not been reported in the literature in individuals affected with LRP2-related conditions. ClinVar contains an entry for this variant (Variation ID: 2171491). An algorithm developed to predict the effect of missense changes on protein structure and function (PolyPhen-2) suggests that this variant¬†is likely to be tolerated. In summary, the available evidence is currently insufficient to determine the role of this variant in disease. Therefore, it has been classified as a Variant of Uncertain Significance.